The following is an entry in ClinVar:

NM_015272.5(RPGRIP1L):c.157A>G (p.Arg53Gly)

Gene: RPGRIP1L (RPGRIP1 like; minus strand). Cytogenetic location: 16q12.2.
Variant type: single nucleotide variant.
Coding change: c.157A>G on transcript NM_015272.5 (MANE Select); coding-DNA position 157, A replaced by G.
Protein change: p.Arg53Gly; replaces arginine 53 with glycine.
Molecular consequence: missense variant.
Genome position (GRCh38, 1-based): chr16:53,696,224, T>C on the plus strand (A>G on the coding strand, the complement: RPGRIP1L is on the minus strand). VCF-style: chr16-53696224-T-C. GRCh37 (hg19) VCF-style: chr16-53730136-T-C.
Other names: c.157A>G, p.Arg53Gly (NM_001127897.4, NM_001308334.3, NM_001328422.2 and 2 more transcripts); short protein forms R53G.
Identifiers: ClinVar variation 3357276 (VCV003357276.1).

ClinVar aggregate classification (germline): Uncertain significance (0 of 4 stars; one submission).

Conditions:
RPGRIP1L-related disorder. Also called: RPGRIP1L-related condition; RPGRIP1L-related disorders. Identifiers: MedGen CN239416.

gnomAD v4.1: 3 of 1,613,978 alleles (0.00019%); highest among the groups gnomAD compares: East Asian, 0.0022%; no homozygotes.

Submission:

PreventionGenetics, part of Exact Sciences
Classification: Uncertain significance for RPGRIP1L-related condition. Last evaluated: 2024-08-13. Review status: no assertion criteria provided. Collection method: clinical testing. Allele origin: germline.
Comment: The RPGRIP1L c.157A>G variant is predicted to result in the amino acid substitution p.Arg53Gly. To our knowledge, this variant has not been reported in the literature. This variant is reported in 0.0065% of alleles in individuals of European (Non-Finnish) descent in gnomAD. At this time, the clinical significance of this variant is uncertain due to the absence of conclusive functional and genetic evidence.